The following is an entry in ClinVar:

NM_006947.4(SRP72):c.1061A>G (p.His354Arg)

Gene: SRP72 (signal recognition particle 72; plus strand). Cytogenetic location: 4q12.
Variant type: single nucleotide variant.
Coding change: c.1061A>G on transcript NM_006947.4 (MANE Select); coding-DNA position 1061, A replaced by G.
Protein change: p.His354Arg; replaces histidine 354 with arginine.
Molecular consequence: missense variant. On other transcripts: non-coding transcript variant (1).
Genome position (GRCh38, 1-based): chr4:56,484,839, A>G. VCF-style: chr4-56484839-A-G. GRCh37 (hg19) VCF-style: chr4-57351005-A-G.
Other names: c.878A>G, p.His293Arg (NM_001267722.2); short protein forms H293R, H354R.
Identifiers: ClinVar variation 3801431 (VCV003801431.1).

ClinVar aggregate classification (germline): Uncertain significance (1 of 4 stars; one submission).

Submission:

Ambry Genetics
Classification: Uncertain significance. Last evaluated: 2025-01-06. Review status: criteria provided, single submitter. Criteria: Ambry Variant Classification Scheme 2023. Collection method: clinical testing. Allele origin: germline.
Comment: The p.H354R variant (also known as c.1061A>G), located in coding exon 10 of the SRP72 gene, results from an A to G substitution at nucleotide position 1061. The histidine at codon 354 is replaced by arginine, an amino acid with highly similar properties. This amino acid position is conserved. In addition, the in silico prediction for this alteration is inconclusive. Based on the available evidence, the clinical significance of this variant remains unclear.